The following is an entry in ClinVar:

ClinVar aggregate classification (germline): Uncertain significance. Review status: criteria provided, multiple submitters, no conflicts (2 of 4 stars). 2 submissions from 2 submitters: Uncertain significance (2). Last evaluated 2026-09-01.

Conditions:
SIM1-related disorder. Also called: SIM1-related condition; SIM1-related disorders.

Allele frequency attached by ClinVar (database versions not stated): TOPMed below 0.00001.
gnomAD v4.1: 2 of 1,614,208 alleles (0.00012%); highest among the groups gnomAD compares: Middle Eastern, 0.016%; no homozygotes.

Submissions (2):

PreventionGenetics, part of Exact Sciences
Classification: Uncertain significance for SIM1-related condition. Last evaluated: 2026-09-01. Review status: criteria provided, single submitter. Criteria: ACMG Guidelines, 2015. Collection method: clinical testing. Allele origin: germline.
Comment: The SIM1 c.1303G>T variant is predicted to result in the amino acid substitution p.Ala435Ser. To our knowledge, this variant has not been reported in the literature. This variant is reported in 0.0029% of alleles in individuals of Latino descent in gnomAD. At this time, the clinical significance of this variant is uncertain due to the absence of conclusive functional and genetic evidence.

GeneDx
Classification: Uncertain significance. Last evaluated: 2022-07-01. Review status: criteria provided, single submitter. Criteria: GeneDx Variant Classification Process June 2021. Collection method: clinical testing. Allele origin: germline. Affected: yes.
Comment: Not observed at significant frequency in large population cohorts (gnomAD); In silico analysis supports that this missense variant does not alter protein structure/function; Has not been previously published as pathogenic or benign to our knowledge

NM_005068.3(SIM1):c.1303G>T (p.Ala435Ser)

Genes: SIM1 (SIM bHLH transcription factor 1; minus strand), SIM1-AS1 (SIM1 antisense RNA 1; plus strand). Cytogenetic location: 6q16.3.
Variant type: single nucleotide variant.
Coding change: c.1303G>T on transcript NM_005068.3 (MANE Select); coding-DNA position 1303, G replaced by T.
Protein change: p.Ala435Ser; replaces alanine 435 with serine.
Molecular consequence: missense variant.
Genome position (GRCh38, 1-based): chr6:100,393,754, C>A on the plus strand (G>T on the coding strand, the complement: SIM1 is on the minus strand). VCF-style: chr6-100393754-C-A. GRCh37 (hg19) VCF-style: chr6-100841630-C-A.
Other names: c.1303G>T, p.Ala435Ser (NM_001374769.1); short protein forms A435S.
Identifiers: ClinVar variation 1693344 (VCV001693344.3), dbSNP rs1333418276, ClinGen allele CA365299380.
Genomic context (GRCh38, chr6:100,393,754, plus strand): 5'-TCGAGTGGTCAAGCGCAAAGCCATAGCAGAGAGAGCTGCGGTCCGAAAACTGTCTGTAGG[C>A]GCACGATGCGTCGTGCTGGGAGCCAGGCCTATCGGCGGGGTCCAGAAGCTGCGGAGAGGC-3'
Protein context (NP_005059.2, residues 425-445): RPGSQHDASC[Ala435Ser]YRQFSDRSSL